The following is an entry in ClinVar:

ClinVar aggregate classification (germline): Conflicting classifications of pathogenicity. Review status: criteria provided, conflicting classifications (1 of 4 stars). 12 submissions from 12 submitters: Pathogenic (3); Likely pathogenic (6); Uncertain significance (1). 2 of the submissions do not count toward it. Last evaluated 2026-06-03.

Conditions:
HGSNAT-related disorders.
Mucopolysaccharidosis, MPS-III-C (MPS3C). Also called: SANFILIPPO SYNDROME C; MPS III C; mucopolysaccharidosis type 3C; MUCOPOLYSACCHARIDOSIS, TYPE IIIC; MPS IIIC (Sanfilippo Syndrome Type C); Mucopolysaccharidosis type IIIC (Sanfilippo C). Identifiers: Orphanet 581, Orphanet 79271, MedGen C0086649, MONDO:0009657, OMIM 252930.
Retinitis pigmentosa 73 (RP73). Identifiers: Orphanet 791, MedGen C4225287, MONDO:0014687, OMIM 616544.
Retinitis pigmentosa (RP). Identifiers: Orphanet 791, MedGen C0035334, MeSH D012174, MONDO:0019200, OMIM 268000. Inheritance: Autosomal dominant, autosomal recessive and X linked inheritance.

Allele frequency attached by ClinVar (database versions not stated): gnomAD 0.00001 and 0.00002; ExAC 0.00001; gnomAD exomes 0.00002; TOPMed 0.00003.
gnomAD v4.1: 29 of 1,600,428 alleles (0.0018%); highest among the groups gnomAD compares: Non-Finnish European, 0.0019%; no homozygotes.

Submissions (12):

Women's Health and Genetics/Laboratory Corporation of America, LabCorp
Classification: Pathogenic for Retinitis pigmentosa 73. Last evaluated: 2026-06-03. Review status: criteria provided, single submitter. Criteria: LabCorp Variant Classification Summary - May 2015. Collection method: clinical testing. Allele origin: germline.
Comment: Variant summary: HGSNAT c.370A>T (p.Arg124Trp) results in a non-conservative amino acid change in the encoded protein sequence. Algorithms developed to predict the effect of missense changes on protein structure and function are either unavailable or do not agree on the potential impact of this missense change. Several computational tools predict a significant impact on normal splicing: Two predict the variant weakens a 5' donor site. One predicts the variant abolishes a 5' splicing donor site. Two predict the variant no significant impact on splicing. At least one publication reports experimental evidence that this variant affects mRNA splicing in a homozygous patient, demonstrating a partial exon 3 skipping effect predicted to result in a frameshift, however the level of normal transcript was still high, complicating the biological significance of this result (example, Haer-Wigman_2015). The variant allele was found at a frequency of 2.1e-05 in 240818 control chromosomes. c.370A>T has been observed in multiple homozygous and presumed compound heterozygous individuals affected with clinical features of Retinitis pigmentosa 73 (example, Hayman_2024, Haer-Wigman_2015, internal data). These data indicate that the variant is very likely to be associated with disease. At least one publication reports experimental evidence evaluating an impact on protein function. The most pronounced variant effect results in 30%-50% of normal HGSNAT activity in homozygous patient cells (Haer-Wigman_2015). The following publications have been ascertained in the context of this evaluation (PMID: 37798099, 25859010, 39062705). ClinVar contains an entry for this variant (Variation ID: 208815). Based on the evidence outlined above, the variant was classified as pathogenic.

Labcorp Genetics (formerly Invitae), Labcorp
Classification: Pathogenic for Retinitis pigmentosa 73; Mucopolysaccharidosis, MPS-III-C. Last evaluated: 2026-01-28. Review status: criteria provided, single submitter. Criteria: Invitae Variant Classification Sherloc (09022015). Collection method: clinical testing. Allele origin: germline.
Comment: This sequence change replaces arginine, which is basic and polar, with tryptophan, which is neutral and slightly polar, at codon 124 of the HGSNAT protein (p.Arg124Trp). RNA analysis indicates that this missense change induces altered splicing and may result in an absent or altered protein product. This variant is present in population databases (rs754875934, gnomAD 0.02%). This missense change has been observed in individuals with retinitis pigmentosa (PMID: 25859010; internal data). ClinVar contains an entry for this variant (Variation ID: 208815). An algorithm developed to predict the effect of missense changes on protein structure and function (PolyPhen-2) suggests that this variant is likely to be disruptive. Studies have shown that this missense change results in partial skipping of exon 3, and produces a non-functional protein and/or introduces a premature termination codon (PMID: 25859010). For these reasons, this variant has been classified as Pathogenic.

Natera, Inc.
Classification: Likely pathogenic for Mucopolysaccharidosis type IIIC. Last evaluated: 2025-11-26. Review status: criteria provided, single submitter. Criteria: Natera Variant Classification Schema (03/2026). Collection method: clinical testing. Allele origin: germline.
Comment: The c.370A>T variant in HGSNAT is a missense variant predicted to cause substitution of arginine to tryptophan at amino acid 124. This variant is rare in the general population with a frequency below the threshold expected for the associated phenotype(s). This variant has been observed in one or more individuals affected with the associated recessive disease, as either homozygous or compound heterozygous with a second variant (PMID: 25859010, 39062705). Functional studies show that this variant may disrupt protein function (PMID: 25859010). Computational prediction algorithms indicate this variant is likely to affect gene or protein function. Given the available evidence, this variant is classified as Likely Pathogenic.

GeneDx
Classification: Likely pathogenic. Last evaluated: 2025-07-31. Review status: criteria provided, single submitter. Criteria: GeneDx Variant Classification Process June 2021. Collection method: clinical testing. Allele origin: germline.
Comment: RNA studies found this variant results in aberrant splicing and skipping of exon 3 (PMID: 25859010); In silico analysis supports that this missense variant has a deleterious effect on protein structure/function; This variant is associated with the following publications: (PMID: 31456290, 32770643, 34426522, 25859010, 31964843, 39062705, 37798099)

Blueprint Genetics
Classification: Pathogenic for HGSNAT-related disorders. Last evaluated: 2024-04-02. Review status: criteria provided, single submitter. Criteria: ACMG Guidelines, 2015. Collection method: clinical testing. Allele origin: germline. Affected: yes. Observed: 5 variant alleles.

Fulgent Genetics
Classification: Likely pathogenic for Mucopolysaccharidosis, MPS-III-C; Retinitis pigmentosa 73. Last evaluated: 2024-03-31. Review status: criteria provided, single submitter. Criteria: ACMG Guidelines, 2015. Collection method: clinical testing. Allele origin: germline.

3billion
Classification: Likely pathogenic for Retinitis pigmentosa 73. Last evaluated: 2023-06-02. Review status: criteria provided, single submitter. Criteria: ACMG Guidelines, 2015. Collection method: clinical testing. Allele origin: germline. Affected: yes.
Comment: The variant is observed at an extremely low frequency in the gnomAD v2.1.1 dataset (total allele frequency: 0.002%). Predicted Consequence/Location: Missense variant: previously reported to alter splicing (PMID: 25859010). Protein truncation variants are a common disease-causing mechanism. Missense variant: previously reported to alter splicing (PMID: 25859010). Protein truncation variants are a common disease-causing mechanism. Therefore, this variant is classified as Likely pathogenic according to the recommendation of ACMG/AMP guideline.

Department of Pathology and Laboratory Medicine, Sinai Health System
Classification: Likely pathogenic for Mucopolysaccharidosis, MPS-III-C; Retinitis pigmentosa 73. Last evaluated: 2022-12-05. Review status: criteria provided, single submitter. Criteria: ACMG Guidelines, 2015. Collection method: research. Allele origin: germline.

Institute of Human Genetics, University of Leipzig Medical Center
Classification: Likely pathogenic for Retinitis pigmentosa 73. Last evaluated: 2022-11-29. Review status: criteria provided, single submitter. Criteria: ACMG Guidelines, 2015. Collection method: clinical testing. Allele origin: unknown. Affected: yes.
Comment: This variant was identified as compound heterozygous with NM_152419.3:c.1843G>A._x000D_ Criteria applied: PS3, PM3_STR, PM2_SUP

Myriad Genetics, Inc.
Classification: Uncertain significance for Mucopolysaccharidosis, MPS-III-C. Last evaluated: 2021-11-11. Review status: criteria provided, single submitter. Criteria: Myriad Women's Health Autosomal Recessive and X-Linked Classification Criteria (2021). Collection method: clinical testing. Allele origin: unknown.
Comment: NM_152419.2(HGSNAT):c.370A>T(R124W) is a missense variant classified as a variant of uncertain significance in the context of mucopolysaccharidosis type IIIC. R124W has not been observed in cases with relevant disease. Functional assessments of this variant are available in the literature (PMID: 25859010). R124W has been observed in population frequency databases (gnomAD ASJ 0.02%). In summary, there is insufficient evidence to classify NM_152419.2(HGSNAT):c.370A>T(R124W) as pathogenic or benign. Please note: this variant was assessed in the context of healthy population screening.

Sharon lab, Hadassah-Hebrew University Medical Center
Classification: Pathogenic for Retinitis pigmentosa. Last evaluated: 2019-06-23. Review status: no assertion criteria provided. Collection method: research. Allele origin: inherited. Affected: yes. Not counted in ClinVar's aggregate classification.

OMIM
Classification: Pathogenic for RETINITIS PIGMENTOSA 73. Last evaluated: 2015-07-01. Review status: no assertion criteria provided. Collection method: literature only. Allele origin: germline. Not counted in ClinVar's aggregate classification.

Literature cited by the submitters: PubMed 37798099 (cited by Women's Health and Genetics/Laboratory Corporation of America, LabCorp); PubMed 25859010 (cited by 6 submitters); PubMed 39062705 (cited by Women's Health and Genetics/Laboratory Corporation of America, LabCorp and Natera, Inc.).

NM_152419.3(HGSNAT):c.370A>T (p.Arg124Trp)

Gene: HGSNAT (heparan-alpha-glucosaminide N-acetyltransferase; plus strand). Cytogenetic location: 8p11.21.
Variant type: single nucleotide variant.
Coding change: c.370A>T on transcript NM_152419.3 (MANE Select); coding-DNA position 370, A replaced by T.
Protein change: p.Arg124Trp; replaces arginine 124 with tryptophan.
Molecular consequence: missense variant. On other transcripts: 5 prime UTR variant (1).
Genome position (GRCh38, 1-based): chr8:43,158,710, A>T. VCF-style: chr8-43158710-A-T. GRCh37 (hg19) VCF-style: chr8-43013853-A-T.
Other names: c.370A>T, p.Arg124Trp (NM_001363227.2, NM_001363228.2); c.-464A>T (NM_001363229.2); short protein forms R124W.
Identifiers: ClinVar variation 208815 (VCV000208815.22), dbSNP rs754875934, ClinGen allele CA204927.
Genomic context (GRCh38, chr8:43,158,710, plus strand): 5'-AGCACCCAGCACGGATCTATCCTGCAGCTGAACGACACCTTGGAAGAGAAAGAAGTTTGT[A>T]GGTTTGTGCCTGCTTTGTTGTGATCTAAGTGAAGTCTGCATTTTCTCTTTTTCTATTTTG-3'
Protein context (NP_689632.2, residues 114-134): NDTLEEKEVC[Arg124Trp]LEYRFGEFGN